The following is an entry in ClinVar:

NM_015139.3(SLC35D1):c.760C>T (p.Leu254Phe)

Gene: SLC35D1 (solute carrier family 35 member D1; minus strand). Cytogenetic location: 1p31.3.
Variant type: single nucleotide variant.
Coding change: c.760C>T on transcript NM_015139.3 (MANE Select); coding-DNA position 760, C replaced by T.
Protein change: p.Leu254Phe; replaces leucine 254 with phenylalanine.
Molecular consequence: missense variant.
Genome position (GRCh38, 1-based): chr1:67,021,572, G>A on the plus strand (C>T on the coding strand, the complement: SLC35D1 is on the minus strand). VCF-style: chr1-67021572-G-A. GRCh37 (hg19) VCF-style: chr1-67487255-G-A.
Other names: short protein forms L254F.
Identifiers: ClinVar variation 5009893 (VCV005009893.1).

ClinVar aggregate classification (germline): Uncertain significance (1 of 4 stars; one submission).

gnomAD v4.1: 2 of 1,613,968 alleles (0.00012%); highest among the groups gnomAD compares: South Asian, 0.0011%; no homozygotes.

Submission:

GeneDx
Classification: Uncertain significance. Last evaluated: 2026-02-26. Review status: criteria provided, single submitter. Criteria: GeneDx Variant Classification Process June 2021. Collection method: clinical testing. Allele origin: germline.
Comment: Not observed at significant frequency in large population cohorts (gnomAD); In silico analysis suggests that this missense variant does not alter protein structure/function; Has not been previously published as pathogenic or benign to our knowledge